The following is an entry in ClinVar:

ClinVar aggregate classification (germline): Uncertain significance (1 of 4 stars; one submission).

gnomAD v4.1: 8 of 1,612,752 alleles (0.0005%); highest among the groups gnomAD compares: Non-Finnish European, 0.00059%; no homozygotes.

Submission:

Labcorp Genetics (formerly Invitae), Labcorp
Classification: Uncertain significance. Last evaluated: 2025-02-10. Review status: criteria provided, single submitter. Criteria: Invitae Variant Classification Sherloc (09022015). Collection method: clinical testing. Allele origin: germline.
Comment: This sequence change replaces alanine, which is neutral and non-polar, with threonine, which is neutral and polar, at codon 770 of the TMPRSS6 protein (p.Ala770Thr). This variant is present in population databases (rs774843745, gnomAD 0.0009%). This variant has not been reported in the literature in individuals affected with TMPRSS6-related conditions. Invitae Evidence Modeling of protein sequence and biophysical properties (such as structural, functional, and spatial information, amino acid conservation, physicochemical variation, residue mobility, and thermodynamic stability) indicates that this missense variant is not expected to disrupt TMPRSS6 protein function with a negative predictive value of 80%. In summary, the available evidence is currently insufficient to determine the role of this variant in disease. Therefore, it has been classified as a Variant of Uncertain Significance.

NM_001374504.1(TMPRSS6):c.2281G>A (p.Ala761Thr)

Gene: TMPRSS6 (transmembrane serine protease 6; minus strand). Cytogenetic location: 22q12.3.
Variant type: single nucleotide variant.
Coding change: c.2281G>A on transcript NM_001374504.1 (MANE Select); coding-DNA position 2281, G replaced by A.
Protein change: p.Ala761Thr; replaces alanine 761 with threonine.
Molecular consequence: missense variant.
Genome position (GRCh38, 1-based): chr22:37,066,208, C>T on the plus strand (G>A on the coding strand, the complement: TMPRSS6 is on the minus strand). VCF-style: chr22-37066208-C-T. GRCh37 (hg19) VCF-style: chr22-37462248-C-T.
Other names: c.2347G>A, p.Ala783Thr (NM_001289000.2); c.2281G>A, p.Ala761Thr (NM_001289001.2, NM_153609.4); short protein forms A783T, A761T.
Identifiers: ClinVar variation 4703404 (VCV004703404.1).